The following is an entry in ClinVar:

ClinVar aggregate classification (germline): Uncertain significance (1 of 4 stars; one submission).

Conditions:
Inborn genetic diseases. Identifiers: MedGen C0950123, MeSH D030342.

Submission:

Ambry Genetics
Classification: Uncertain significance for Inborn genetic diseases. Last evaluated: 2025-06-08. Review status: criteria provided, single submitter. Criteria: Ambry Variant Classification Scheme 2023. Collection method: clinical testing. Allele origin: germline.
Comment: The p.D375E variant (also known as c.1125T>A), located in coding exon 10 of the ANKRD26 gene, results from a T to A substitution at nucleotide position 1125. The aspartic acid at codon 375 is replaced by glutamic acid, an amino acid with highly similar properties. This amino acid position is conserved. In addition, this alteration is predicted to be tolerated by in silico analysis. Based on the available evidence, the clinical significance of this variant remains unclear.

NM_014915.3(ANKRD26):c.1125T>A (p.Asp375Glu)

Gene: ANKRD26 (ankyrin repeat domain containing 26; minus strand). Cytogenetic location: 10p12.1.
Variant type: single nucleotide variant.
Coding change: c.1125T>A on transcript NM_014915.3 (MANE Select); coding-DNA position 1125, T replaced by A.
Protein change: p.Asp375Glu; replaces aspartic acid 375 with glutamic acid.
Molecular consequence: missense variant.
Genome position (GRCh38, 1-based): chr10:27,067,239, A>T on the plus strand (T>A on the coding strand, the complement: ANKRD26 is on the minus strand). VCF-style: chr10-27067239-A-T. GRCh37 (hg19) VCF-style: chr10-27356168-A-T.
Other names: c.1125T>A, p.Asp375Glu (NM_001256053.2); short protein forms D375E.
Identifiers: ClinVar variation 3915172 (VCV003915172.1).
Genomic context (GRCh38, chr10:27,067,239, plus strand): 5'-TTCATCAACATAAGTCAAATTGTCATTATTTGTTTGCTCTAGTGGAGCACTTTCAATAAT[A>T]TCAATACCATTTTCTTTTTTTGCAATGCCTGGCTTTGTTGGTTCTTCCTATTAAAAACAA-3'
Protein context (NP_055730.2, residues 365-385): PGIAKKENGI[Asp375Glu]IIESAPLEQT